The following is an entry in ClinVar:

NM_201548.5(CERKL):c.1374dup (p.Pro459fs)

Gene: CERKL (CERK like autophagy regulator; minus strand). Cytogenetic location: 2q31.3.
Variant type: Duplication.
Coding change: c.1374dup on transcript NM_201548.5 (MANE Select); coding-DNA position 1374, one base duplicated (T; older notation c.1374dupT).
Protein change: p.Pro459fs; shifts the reading frame from proline 459.
Molecular consequence: frameshift variant. On other transcripts: non-coding transcript variant (2).
Genome position (GRCh38, 1-based): chr2:181,539,256, A duplicated on the plus strand (T on the coding strand, the reverse complement: CERKL is on the minus strand); the first of 4 consecutive A bases (chr2:181,539,256-181,539,259); duplicating any one gives the same sequence. VCF-style (leftmost placement, unchanged base first): chr2-181539255-G-GA. GRCh37 (hg19) VCF-style: chr2-182403982-G-GA.
Other names: c.1452dup, p.Pro485fs (NM_001030311.3); c.1035dup, p.Pro346fs (NM_001030312.3); c.1167dup, p.Pro390fs (NM_001030313.3); c.*653dup (NM_001030314.1, NM_001030315.1); c.1320dup, p.Pro441fs (NM_001160277.2); short protein forms P346fs, P390fs, P459fs, P485fs, P441fs.
Identifiers: ClinVar variation 2046207 (VCV002046207.4), dbSNP rs2468269204, ClinGen allele CA2580065237.

ClinVar aggregate classification (germline): Pathogenic (1 of 4 stars; one submission).

Submission:

Labcorp Genetics (formerly Invitae), Labcorp
Classification: Pathogenic. Last evaluated: 2022-02-08. Review status: criteria provided, single submitter. Criteria: Invitae Variant Classification Sherloc (09022015). Collection method: clinical testing. Allele origin: germline.
Comment: For these reasons, this variant has been classified as Pathogenic. This variant has not been reported in the literature in individuals affected with CERKL-related conditions. This variant is not present in population databases (gnomAD no frequency). This sequence change creates a premature translational stop signal (p.Pro485Serfs*4) in the CERKL gene. It is expected to result in an absent or disrupted protein product. Loss-of-function variants in CERKL are known to be pathogenic (PMID: 14681825, 23591405, 24043777).

Literature cited by the submitters: PubMed 14681825; PubMed 23591405; PubMed 24043777.